The following is an entry in ClinVar:

NM_000059.4(BRCA2):c.3043A>T (p.Lys1015Ter)

Gene: BRCA2 (BRCA2 DNA repair associated; plus strand). Cytogenetic location: 13q13.1.
Variant type: single nucleotide variant.
Coding change: c.3043A>T on transcript NM_000059.4 (MANE Select); coding-DNA position 3043, A replaced by T.
Protein change: p.Lys1015Ter; replaces lysine 1015 with a stop codon.
Molecular consequence: nonsense.
Genome position (GRCh38, 1-based): chr13:32,337,398, A>T. VCF-style: chr13-32337398-A-T. GRCh37 (hg19) VCF-style: chr13-32911535-A-T.
Other names: 3271A>T; short protein forms K1015*.
Identifiers: ClinVar variation 51388 (VCV000051388.8), dbSNP rs397507652, ClinGen allele CA017082.

ClinVar aggregate classification (germline): Pathogenic. Review status: reviewed by expert panel (3 of 4 stars). 3 submissions from 3 submitters: Pathogenic (1). 2 of the submissions do not count toward it. Last evaluated 2016-10-18.

Conditions:
Hereditary breast ovarian cancer syndrome. Also called: Hereditary breast and ovarian cancer syndrome; Hereditary breast and ovarian cancer; Hereditary breast and ovarian cancer syndrome (HBOC); Breast and ovarian cancer; Hereditary breast and/or ovarian cancer syndrome; BRCA1- and BRCA2-Associated Hereditary Breast and Ovarian Cancer. Identifiers: Orphanet 145, MedGen C0677776, MeSH D061325, MONDO:0003582. Disease mechanism: loss of function.
Breast-ovarian cancer, familial, susceptibility to, 2 (BROVCA2). Also called: BRCA2 Hereditary Breast and Ovarian Cancer. Identifiers: Orphanet 145, MedGen C2675520, MONDO:0012933, OMIM 612555. Disease mechanism: loss of function.

Submissions (3):

Evidence-based Network for the Interpretation of Germline Mutant Alleles (ENIGMA)
Classification: Pathogenic for Breast-ovarian cancer, familial, susceptibility to, 2. Last evaluated: 2016-10-18. Review status: reviewed by expert panel. Criteria: ENIGMA BRCA1/2 Classification Criteria (2015). Collection method: curation. Allele origin: germline.
Comment: Variant allele predicted to encode a truncated non-functional protein.

Labcorp Genetics (formerly Invitae), Labcorp
Classification: Pathogenic for Hereditary breast ovarian cancer syndrome. Last evaluated: 2025-06-04. Review status: criteria provided, single submitter. Criteria: Invitae Variant Classification Sherloc (09022015). Collection method: clinical testing. Allele origin: germline. Not counted in ClinVar's aggregate classification.
Comment: This sequence change creates a premature translational stop signal (p.Lys1015*) in the BRCA2 gene. It is expected to result in an absent or disrupted protein product. Loss-of-function variants in BRCA2 are known to be pathogenic (PMID: 20104584). This variant is not present in population databases (gnomAD no frequency). This premature translational stop signal has been observed in individual(s) with personal and/or family history of breast and/or ovarian cancer (PMID: 29446198). ClinVar contains an entry for this variant (Variation ID: 51388). For these reasons, this variant has been classified as Pathogenic.

Consortium of Investigators of Modifiers of BRCA1/2 (CIMBA), c/o University of Cambridge
Classification: Pathogenic for Breast-ovarian cancer, familial, susceptibility to, 2. Last evaluated: 2015-10-02. Review status: criteria provided, single submitter. Criteria: CIMBA Mutation Classification guidelines May 2016. Collection method: clinical testing. Allele origin: germline. Not counted in ClinVar's aggregate classification.

Literature cited by the submitters: PubMed 20104584 (cited by Labcorp Genetics (formerly Invitae), Labcorp); PubMed 29446198 (cited by Labcorp Genetics (formerly Invitae), Labcorp).